The following is an entry in ClinVar:

ClinVar aggregate classification (germline): Uncertain significance (1 of 4 stars; one submission).

Conditions:
Dilated cardiomyopathy 1W (CMD1W). Identifiers: Orphanet 154, MedGen C1969639, MONDO:0012667, OMIM 611407.

Allele frequency attached by ClinVar (database versions not stated): TOPMed below 0.00001; gnomAD exomes 0.00001.
gnomAD v4.1: 7 of 1,612,176 alleles (0.00043%); highest among the groups gnomAD compares: Admixed American, 0.012%; no homozygotes.

Submission:

Labcorp Genetics (formerly Invitae), Labcorp
Classification: Uncertain significance for Dilated cardiomyopathy 1W. Last evaluated: 2025-06-11. Review status: criteria provided, single submitter. Criteria: Invitae Variant Classification Sherloc (09022015). Collection method: clinical testing. Allele origin: germline.
Comment: This sequence change falls in intron 12 of the VCL gene. It does not directly change the encoded amino acid sequence of the VCL protein. This variant is present in population databases (no rsID available, gnomAD 0.01%). This variant has not been reported in the literature in individuals affected with VCL-related conditions. ClinVar contains an entry for this variant (Variation ID: 2180744). Algorithms developed to predict the effect of sequence changes on RNA splicing suggest that this variant may create or strengthen a splice site. In summary, the available evidence is currently insufficient to determine the role of this variant in disease. Therefore, it has been classified as a Variant of Uncertain Significance.

NM_014000.3(VCL):c.1743+13A>T

Gene: VCL (vinculin; plus strand). Cytogenetic location: 10q22.2.
Variant type: single nucleotide variant.
Coding change: c.1743+13A>T on transcript NM_014000.3 (MANE Select); 13 bases into the intron after coding-DNA position 1743, A replaced by T.
Molecular consequence: intron variant.
Genome position (GRCh38, 1-based): chr10:74,095,868, A>T. VCF-style: chr10-74095868-A-T. GRCh37 (hg19) VCF-style: chr10-75855626-A-T.
Other names: c.1743+13A>T (NM_003373.4).
Identifiers: ClinVar variation 2180744 (VCV002180744.3), dbSNP rs1189266679, ClinGen allele CA594709383.
Genomic context (GRCh38, chr10:74,095,868, plus strand): 5'-AGTCCTCAGGCACGAGCACTTGCATCTCAGCTCCAAGACTCCTTAAAGGTAGAAGTCAGG[A>T]GCACATATCATTTTACTTTTTATGCTTCCTATTATTGAAAGACGAGGGAAGGAAGAGAGA-3'